The following is an entry in ClinVar:

NM_032977.4(CASP10):c.259C>T (p.Arg87Trp)

Gene: CASP10 (caspase 10; plus strand). Cytogenetic location: 2q33.1.
Variant type: single nucleotide variant.
Coding change: c.259C>T on transcript NM_032977.4 (MANE Select); coding-DNA position 259, C replaced by T.
Protein change: p.Arg87Trp; replaces arginine 87 with tryptophan.
Molecular consequence: missense variant.
Genome position (GRCh38, 1-based): chr2:201,186,036, C>T. VCF-style: chr2-201186036-C-T. GRCh37 (hg19) VCF-style: chr2-202050759-C-T.
Other names: c.259C>T, p.Arg87Trp (NM_001206524.2, NM_001206542.2, NM_001230.5 and 3 more transcripts); short protein forms R87W.
Identifiers: ClinVar variation 569038 (VCV000569038.21), dbSNP rs551818122, ClinGen allele CA2052801.

ClinVar aggregate classification (germline): Conflicting classifications of pathogenicity. Review status: criteria provided, conflicting classifications (1 of 4 stars). 5 submissions from 5 submitters: Uncertain significance (4); Likely benign (1). Last evaluated 2025-12-25.

Conditions:
Autoimmune lymphoproliferative syndrome type 2A (ALPS2A). Also called: CASP10-Related Autoimmune Lymphoproliferative Syndrome; Autoimmune lymphoproliferative syndrome type 2; AUTOIMMUNE LYMPHOPROLIFERATIVE SYNDROME, TYPE IIA. Identifiers: Orphanet 3261, MedGen C1858968, MONDO:0011383, OMIM 603909.
Lymphoma, non-Hodgkin, familial. Identifiers: MedGen C4721532, MONDO:0011508, OMIM 605027.
Gastric cancer. Also called: Malignant tumor of stomach; Stomach cancer. Identifiers: MedGen C0024623, MeSH D013274, MONDO:0001056, OMIM 613659, HP:0012126.

Allele frequency attached by ClinVar (database versions not stated): gnomAD 0.00011 and 0.00013; TOPMed 0.00014; ExAC 0.00015; gnomAD exomes 0.00019.

Submissions (5):

Labcorp Genetics (formerly Invitae), Labcorp
Classification: Uncertain significance for Autoimmune lymphoproliferative syndrome type 2A. Last evaluated: 2025-12-25. Review status: criteria provided, single submitter. Criteria: Invitae Variant Classification Sherloc (09022015). Collection method: clinical testing. Allele origin: germline.
Comment: This sequence change replaces arginine, which is basic and polar, with tryptophan, which is neutral and slightly polar, at codon 87 of the CASP10 protein (p.Arg87Trp). This variant is present in population databases (rs551818122, gnomAD 0.05%). This variant has not been reported in the literature in individuals affected with CASP10-related conditions. ClinVar contains an entry for this variant (Variation ID: 569038). Invitae Evidence Modeling of protein sequence and biophysical properties (such as structural, functional, and spatial information, amino acid conservation, physicochemical variation, residue mobility, and thermodynamic stability) has been performed for this missense variant. However, the output from this modeling did not meet the statistical confidence thresholds required to predict the impact of this variant on CASP10 protein function. In summary, the available evidence is currently insufficient to determine the role of this variant in disease. Therefore, it has been classified as a Variant of Uncertain Significance.

Blueprint Genetics
Classification: Likely benign. Last evaluated: 2024-11-11. Review status: criteria provided, single submitter. Criteria: ACMG Guidelines, 2015. Collection method: clinical testing. Allele origin: germline.

Revvity Omics, Revvity
Classification: Uncertain significance for Autoimmune lymphoproliferative syndrome type 2A. Last evaluated: 2022-05-16. Review status: criteria provided, single submitter. Criteria: ACMG Guidelines, 2015. Collection method: clinical testing. Allele origin: germline.

Breakthrough Genomics
Classification: Uncertain significance. Review status: criteria provided, single submitter. Criteria: ACMG Guidelines, 2015. Collection method: not provided. Allele origin: germline. Inheritance: Autosomal dominant inheritance. Affected: yes.

Center for Genomics, Ann and Robert H. Lurie Children's Hospital of Chicago
Classification: Uncertain significance for Autoimmune lymphoproliferative syndrome type 2A; Gastric cancer; Lymphoma, non-Hodgkin, familial. Review status: criteria provided, single submitter. Criteria: ACMG Guidelines, 2015. Collection method: clinical testing. Allele origin: germline.
Comment: CASP10 NM_032977.3 exon 2 p.Arg87Trp (c.259C>T): This variant has not been reported in the literature but is present in 0.01% (3/15266) of Latino alleles in the Genome Aggregation Database. This variant is present in ClinVar (Variation ID:569038). Evolutionary conservation suggests that this variant may not impact the protein; computational predictive tools for this variant are unclear. In summary, data on this variant is insufficient for disease classification. Therefore, the clinical significance of this variant is uncertain